The following is an entry in ClinVar:

ClinVar aggregate classification (germline): Uncertain significance. Review status: criteria provided, multiple submitters, no conflicts (2 of 4 stars). 2 submissions from 2 submitters: Uncertain significance (2). Last evaluated 2024-10-28.

Conditions:
Familial thoracic aortic aneurysm and aortic dissection (TAAD). Also called: Thoracic aortic aneurysms and dissections. Identifiers: Orphanet 91387, MedGen C4707243, MONDO:0019625.

Submissions (2):

Color Diagnostics, LLC DBA Color Health
Classification: Uncertain significance for Familial thoracic aortic aneurysm and aortic dissection. Last evaluated: 2024-10-28. Review status: criteria provided, single submitter. Criteria: ACMG Guidelines, 2015. Collection method: clinical testing. Allele origin: germline.
Comment: This missense variant replaces threonine with arginine at codon 21 of the FBN1 protein. Computational prediction suggests that this variant may not impact protein structure and function (internally defined REVEL score threshold <= 0.5, PMID: 27666373). To our knowledge, functional studies have not been reported for this variant. This variant has not been reported in individuals affected with FBN1-related disorders in the literature. This variant has not been identified in the general population by the Genome Aggregation Database (gnomAD). The available evidence is insufficient to determine the role of this variant in disease conclusively. Therefore, this variant is classified as a Variant of Uncertain Significance.

Blueprint Genetics
Classification: Uncertain significance. Last evaluated: 2024-01-11. Review status: criteria provided, single submitter. Criteria: ACMG Guidelines, 2015. Collection method: clinical testing. Allele origin: germline.

NM_000138.5(FBN1):c.62C>G (p.Thr21Arg)

Genes: FBN1 (fibrillin 1; minus strand), LOC130057019 (ATAC-STARR-seq lymphoblastoid silent region 6417; plus strand). Cytogenetic location: 15q21.1.
Variant type: single nucleotide variant.
Coding change: c.62C>G on transcript NM_000138.5 (MANE Select); coding-DNA position 62, C replaced by G.
Protein change: p.Thr21Arg; replaces threonine 21 with arginine.
Molecular consequence: missense variant.
Genome position (GRCh38, 1-based): chr15:48,644,708, G>C on the plus strand (C>G on the coding strand, the complement: FBN1 is on the minus strand). VCF-style: chr15-48644708-G-C. GRCh37 (hg19) VCF-style: chr15-48936905-G-C.
Other names: c.62C>G, p.Thr21Arg (NM_001406716.1, NM_001406717.1, NM_001406718.1); short protein forms T21R.
Identifiers: ClinVar variation 3894066 (VCV003894066.2).